The following is an entry in ClinVar:

NM_001211.6(BUB1B):c.1609T>C (p.Ser537Pro)

Gene: BUB1B (BUB1 mitotic checkpoint serine/threonine kinase B; plus strand). Cytogenetic location: 15q15.1.
Variant type: single nucleotide variant.
Coding change: c.1609T>C on transcript NM_001211.6 (MANE Select); coding-DNA position 1609, T replaced by C.
Protein change: p.Ser537Pro; replaces serine 537 with proline.
Molecular consequence: missense variant.
Genome position (GRCh38, 1-based): chr15:40,202,446, T>C. VCF-style: chr15-40202446-T-C. GRCh37 (hg19) VCF-style: chr15-40494647-T-C.
Other names: short protein forms S537P.
Identifiers: ClinVar variation 4600457 (VCV004600457.1).

ClinVar aggregate classification (germline): Uncertain significance (1 of 4 stars; one submission).

Conditions:
Inborn genetic diseases. Identifiers: MedGen C0950123, MeSH D030342.

Submission:

Ambry Genetics
Classification: Uncertain significance for Inborn genetic diseases. Last evaluated: 2025-10-30. Review status: criteria provided, single submitter. Criteria: Ambry Variant Classification Scheme 2023. Collection method: clinical testing. Allele origin: germline.
Comment: The p.S537P variant (also known as c.1609T>C), located in coding exon 13 of the BUB1B gene, results from a T to C substitution at nucleotide position 1609. The serine at codon 537 is replaced by proline, an amino acid with similar properties. This amino acid position is conserved. In addition, this alteration is predicted to be tolerated by in silico analysis. Based on the available evidence, the clinical significance of this variant remains unclear.